The following is an entry in ClinVar:

ClinVar aggregate classification (germline): Likely benign. Review status: criteria provided, multiple submitters, no conflicts (2 of 4 stars). 3 submissions from 3 submitters: Likely benign (3). Last evaluated 2024-08-23.

Conditions:
Ehlers-Danlos syndrome, musculocontractural type (EDSMC). Also called: ARTHROGRYPOSIS, DISTAL, WITH PECULIAR FACIES AND HYDRONEPHROSIS; DUNDAR SYNDROME; ADDUCTED THUMB-CLUBFOOT SYNDROME; Adducted thumb, clubfoot, progressive joint and skin laxity syndrome. Identifiers: Orphanet 2953, MedGen C1866294, MONDO:0011142.
Cardiovascular phenotype. Identifiers: MedGen CN230736.

Allele frequency attached by ClinVar (database versions not stated): gnomAD 0.00001; TOPMed 0.00001; gnomAD exomes 0.00003.
gnomAD v4.1: 38 of 1,613,668 alleles (0.0024%); highest among the groups gnomAD compares: African/African-American, 0.004%; no homozygotes.

Submissions (3):

Labcorp Genetics (formerly Invitae), Labcorp
Classification: Likely benign for Ehlers-Danlos syndrome, musculocontractural type. Last evaluated: 2024-08-23. Review status: criteria provided, single submitter. Criteria: Invitae Variant Classification Sherloc (09022015). Collection method: clinical testing. Allele origin: germline.

Ambry Genetics
Classification: Likely benign for Cardiovascular phenotype. Last evaluated: 2024-05-19. Review status: criteria provided, single submitter. Criteria: Ambry Variant Classification Scheme 2023. Collection method: clinical testing. Allele origin: germline.

GeneDx
Classification: Likely benign. Last evaluated: 2017-04-06. Review status: criteria provided, single submitter. Criteria: GeneDx Variant Classification (06012015). Collection method: clinical testing. Allele origin: germline. Affected: yes.
Comment: This variant is considered likely benign or benign based on one or more of the following criteria: it is a conservative change, it occurs at a poorly conserved position in the protein, it is predicted to be benign by multiple in silico algorithms, and/or has population frequency not consistent with disease.

NM_130468.4(CHST14):c.582G>A (p.Leu194=)

Gene: CHST14 (carbohydrate sulfotransferase 14; plus strand). Cytogenetic location: 15q15.1.
Variant type: single nucleotide variant.
Coding change: c.582G>A on transcript NM_130468.4 (MANE Select); coding-DNA position 582, G replaced by A.
Protein change: p.Leu194=; no amino-acid change (leucine 194 retained).
Molecular consequence: synonymous variant.
Genome position (GRCh38, 1-based): chr15:40,471,795, G>A. VCF-style: chr15-40471795-G-A. GRCh37 (hg19) VCF-style: chr15-40763994-G-A.
Identifiers: ClinVar variation 508780 (VCV000508780.10), dbSNP rs1377861803, ClinGen allele CA489975205.